The following continues an entry in ClinVar:

NM_000543.5(SMPD1):c.872G>A (p.Arg291His)

Gene: SMPD1. ClinVar aggregate classification (germline): Conflicting classifications of pathogenicity. Likely pathogenic (1); Uncertain significance (13); Likely benign (1).

Submissions 12 to 18 of 18:

Broad Center for Mendelian Genomics, Broad Institute of MIT and Harvard
Classification: Uncertain significance for Sphingomyelin/cholesterol lipidosis. Last evaluated: 2020-01-22. Review status: criteria provided, single submitter. Criteria: ACMG Guidelines, 2015. Collection method: curation. Allele origin: germline. Inheritance: Autosomal recessive inheritance.
Comment: The p.Arg291His variant in SMPD1 (also known as p.Arg289His due to a difference in cDNA numbering) has been reported in at least 5 individuals with Niemann-Pick disease (PMID: 29555840, 15877209, 12369017, 12369017, 20111001, 30795770) and has been identified in 0.223% (288/129142) of European (non-Finnish) chromosomes, 0.076% (19/24968) of African chromosomes, and 0.020% (5/25108) of European (Finnish) chromosomes by the Genome Aggregation Database (gnomAD; dbSNP rs1803161). Computational prediction tools and conservation analyses suggest that this variant may impact the protein, though this information is not predictive enough to determine pathogenicity. The presence of this variant in at least 1 affected homozygote and in combination with reported pathogenic or likely pathogenic variants in 2 individuals with Niemann-Pick disease increases the likelihood that the p.Arg291His variant is pathogenic (VariationID: 2994, 550112; PMID: 29555840, 20111001, 15877209). In summary, the clinical significance of the p.Arg291His variant is uncertain. ACMG/AMP Criteria applied: BS1, PM3, PP3 (Richards 2015).

Fulgent Genetics
Classification: Uncertain significance for Niemann-Pick disease, type A; Niemann-Pick disease, type B. Last evaluated: 2018-10-31. Review status: criteria provided, single submitter. Criteria: ACMG Guidelines, 2015. Collection method: clinical testing. Allele origin: unknown.

Eurofins Ntd Llc (ga)
Classification: Uncertain significance. Last evaluated: 2018-02-20. Review status: criteria provided, single submitter. Criteria: EGL ClinVar v180209 classification definitions. Collection method: clinical testing. Allele origin: germline. Observed: 10 variant alleles, 10 heterozygotes.

Illumina Laboratory Services, Illumina
Classification: Uncertain significance for Niemann-Pick disease, type A. Last evaluated: 2017-04-27. Review status: criteria provided, single submitter. Criteria: ICSL Variant Classification Criteria 13 December 2019. Collection method: clinical testing. Allele origin: germline.
Comment: This variant was observed as part of a predisposition screen in an ostensibly healthy population. A literature search was performed for the gene, cDNA change, and amino acid change (where applicable). Publications were found based on this search. However, the evidence from the literature, in combination with allele frequency data from public databases where available, was not sufficient to rule this variant in or out of causing disease. Therefore, this variant is classified as a variant of unknown significance.

Natera, Inc.
Classification: Uncertain significance for Niemann-Pick Disease, Types A/B. Last evaluated: 2020-12-03. Review status: no assertion criteria provided. Collection method: clinical testing. Allele origin: germline. Not counted in ClinVar's aggregate classification.

Department of Pathology and Laboratory Medicine, Sinai Health System
Classification: Uncertain significance. Review status: no assertion criteria provided. Collection method: clinical testing. Allele origin: unknown. Affected: yes. Study: The Canadian Open Genetics Repository (COGR). Not counted in ClinVar's aggregate classification.
Comment: The SMPD1 p.Arg291His variant was identified in 4 of 558 proband chromosomes (frequency: 0.0072) from individuals or families with Niemann-Pick Disease type B (Simonaro_2002_PMID:12369017; Pavlâ‰ˆÃ˜-Pereira_2005_PMID:15877209; Reunert_2015_PMID:26981555; Zampieri_2016_PMID:26499107). The variant was identified in dbSNP (ID: rs1803161) and ClinVar (classified as uncertain significance by Invitae, EGL Genetics, Fulgent Genetics, Integrated Genetics and Mayo Clinic Genetic Testing). The variant was identified in control databases in 325 of 282810 chromosomes at a frequency of 0.001149 increasing the likelihood this could be a low frequency benign variant (Genome Aggregation Database March 6, 2019, v2.1.1). The variant was observed in the following populations: European (non-Finnish) in 288 of 129142 chromosomes (freq: 0.00223), Other in 7 of 7224 chromosomes (freq: 0.000969), African in 19 of 24968 chromosomes (freq: 0.000761), European (Finnish) in 5 of 25108 chromosomes (freq: 0.000199), Latino in 5 of 35434 chromosomes (freq: 0.000141) and Ashkenazi Jewish in 1 of 10366 chromosomes (freq: 0.000096), but was not observed in the East Asian or South Asian populations. The p.Arg291 residue is conserved in mammals and computational analyses (PolyPhen-2, SIFT, AlignGVGD, BLOSUM, MutationTaster) provide inconsistent predictions regarding the impact to the protein; this information is not very predictive of pathogenicity. The variant occurs outside of the splicing consensus sequence and in silico or computational prediction software programs (SpliceSiteFinder, MaxEntScan, NNSPLICE, GeneSplicer) do not predict a difference in splicing. In summary, based on the above information the clinical significance of this variant cannot be determined with certainty at this time. This variant is classified as a variant of uncertain significance.

Baylor Genetics
Classification: Pathogenic for Niemann-Pick disease, type A. Review status: flagged submission. Criteria: ACMG Guidelines, 2015. Collection method: clinical testing. Allele origin: germline. Not counted in ClinVar's aggregate classification.
ClinVar note: Reason: Outlier claim with insufficient supporting evidence

Literature cited by the submitters: PubMed 12369017 (cited by 8 submitters); PubMed 15877209 (cited by 4 submitters); PubMed 26499107 (cited by 5 submitters); PubMed 26981555 (cited by Women's Health and Genetics/Laboratory Corporation of America, LabCorp and Ambry Genetics); PubMed 17011332 (cited by Women's Health and Genetics/Laboratory Corporation of America, LabCorp); PubMed 28590786 (cited by Women's Health and Genetics/Laboratory Corporation of America, LabCorp and Mayo Clinic Laboratories, Mayo Clinic); PubMed 20111001 (cited by 6 submitters); PubMed 30788890 (cited by Women's Health and Genetics/Laboratory Corporation of America, LabCorp and Mayo Clinic Laboratories, Mayo Clinic); PubMed 30795770 (cited by 5 submitters); PubMed 38992987 (cited by Women's Health and Genetics/Laboratory Corporation of America, LabCorp and Mayo Clinic Laboratories, Mayo Clinic); PubMed 38782304 (cited by Women's Health and Genetics/Laboratory Corporation of America, LabCorp); PubMed 39177062 (cited by 3 submitters); PubMed 26990548 (cited by Mayo Clinic Laboratories, Mayo Clinic); PubMed 29140481 (cited by Mayo Clinic Laboratories, Mayo Clinic); PubMed 38153678 (cited by Mayo Clinic Laboratories, Mayo Clinic); PubMed 40343567 (cited by Mayo Clinic Laboratories, Mayo Clinic); PubMed 28259515 (cited by Ambry Genetics); PubMed 29556840 (cited by Broad Center for Mendelian Genomics, Broad Institute of MIT and Harvard).